The following is an entry in ClinVar:

ClinVar aggregate classification (germline): Uncertain significance (1 of 4 stars; one submission).

Conditions:
Hypermethioninemia with deficiency of S-adenosylhomocysteine hydrolase. Identifiers: Orphanet 88618, MedGen C3151058, MONDO:0013404, OMIM 613752.

Allele frequency attached by ClinVar (database versions not stated): ExAC 0.00001; TOPMed 0.00001; gnomAD exomes 0.00002; gnomAD 0.00003.

Submission:

Labcorp Genetics (formerly Invitae), Labcorp
Classification: Uncertain significance for Hypermethioninemia with deficiency of S-adenosylhomocysteine hydrolase. Last evaluated: 2022-04-24. Review status: criteria provided, single submitter. Criteria: Invitae Variant Classification Sherloc (09022015). Collection method: clinical testing. Allele origin: germline.
Comment: This sequence change replaces arginine, which is basic and polar, with glutamine, which is neutral and polar, at codon 285 of the AHCY protein (p.Arg285Gln). This variant also falls at the last nucleotide of exon 7, which is part of the consensus splice site for this exon. This variant is present in population databases (rs773218933, gnomAD 0.007%). This variant has not been reported in the literature in individuals affected with AHCY-related conditions. Algorithms developed to predict the effect of missense changes on protein structure and function are either unavailable or do not agree on the potential impact of this missense change (SIFT: "Not Available"; PolyPhen-2: "Benign"; Align-GVGD: "Not Available"). Variants that disrupt the consensus splice site are a relatively common cause of aberrant splicing (PMID: 17576681, 9536098). Algorithms developed to predict the effect of sequence changes on RNA splicing suggest that this variant may create or strengthen a splice site. In summary, the available evidence is currently insufficient to determine the role of this variant in disease. Therefore, it has been classified as a Variant of Uncertain Significance.

Literature cited by the submitters: PubMed 17576681; PubMed 9536098.

NM_000687.4(AHCY):c.854G>A (p.Arg285Gln)

Gene: AHCY (adenosylhomocysteinase; minus strand). Cytogenetic location: 20q11.22.
Variant type: single nucleotide variant.
Coding change: c.854G>A on transcript NM_000687.4 (MANE Select); coding-DNA position 854, G replaced by A.
Protein change: p.Arg285Gln; replaces arginine 285 with glutamine.
Molecular consequence: missense variant.
Genome position (GRCh38, 1-based): chr20:34,290,551, C>T on the plus strand (G>A on the coding strand, the complement: AHCY is on the minus strand). VCF-style: chr20-34290551-C-T. GRCh37 (hg19) VCF-style: chr20-32878357-C-T.
Other names: c.770G>A, p.Arg257Gln (NM_001161766.2, NM_001322084.2, NM_001322085.2); c.860G>A, p.Arg287Gln (NM_001322086.2); c.854G>A, p.Arg285Gln (NM_001362750.2); short protein forms R257Q, R287Q, R285Q.
Identifiers: ClinVar variation 2042914 (VCV002042914.2), dbSNP rs773218933, ClinGen allele CA9820875.
Genomic context (GRCh38, chr20:34,290,551, plus strand): 5'-AAAGCTGTCCCAACTCTGCCCTCCTCCCTCACTCCCCGGGACCCCCCATCTGGCACCTAC[C>T]GGCCAAGGATGATGTCAATACAGCCTGTGGTGGTGACAAAGATGTTGCCCTCCTGACAGG-3'
Protein context (NP_000678.1, residues 275-295): TTGCIDIILG[Arg285Gln]HFEQMKDDAI